The following is an entry in ClinVar:

NM_014915.3(ANKRD26):c.2611G>A (p.Ala871Thr)

Gene: ANKRD26 (ankyrin repeat domain 26; minus strand). Cytogenetic location: 10p12.1.
Variant type: single nucleotide variant.
Coding change: c.2611G>A on transcript NM_014915.3 (MANE Select); coding-DNA position 2611, G replaced by A.
Protein change: p.Ala871Thr; replaces alanine 871 with threonine.
Molecular consequence: missense variant.
Genome position (GRCh38, 1-based): chr10:27,037,272, C>T on the plus strand (G>A on the coding strand, the complement: ANKRD26 is on the minus strand). VCF-style: chr10-27037272-C-T. GRCh37 (hg19) VCF-style: chr10-27326201-C-T.
Other names: c.2608G>A, p.Ala870Thr (NM_001256053.2); short protein forms A870T, A871T.
Identifiers: ClinVar variation 3396536 (VCV003396536.2).

ClinVar aggregate classification (germline): Uncertain significance. Review status: criteria provided, multiple submitters, no conflicts (2 of 4 stars). 2 submissions from 2 submitters: Uncertain significance (2). Last evaluated 2026-02-11.

Conditions:
Inborn genetic diseases. Identifiers: MedGen C0950123, MeSH D030342.
Thrombocytopenia 2 (THC2). Also called: ANKRD26-Related Thrombocytopenia. Identifiers: Orphanet 268322, MedGen C1861185, MONDO:0008555, OMIM 188000.

gnomAD v4.1: 13 of 1,613,768 alleles (0.00081%); highest among the groups gnomAD compares: South Asian, 0.0033%; no homozygotes.

Submissions (2):

St. Jude Molecular Pathology, St. Jude Children's Research Hospital
Classification: Uncertain significance for Thrombocytopenia 2. Last evaluated: 2026-02-11. Review status: criteria provided, single submitter. Criteria: St. Jude Assertion Criteria 2020. Collection method: clinical testing. Allele origin: germline.
Comment: The ANKRD26 c.2611G>A p.(Ala871Thr) missense change has a maximum subpopulation frequency of 0.003% in gnomAD v2.1.1. This variant is not located in the 5' UTR. The in silico tool REVEL predicts a benign effect on protein function, but to our knowledge this prediction has not been confirmed by functional studies. To our knowledge, this variant has not been reported in individuals with ANKRD26-related thrombocytopenia. In summary, the evidence currently available is insufficient to determine the clinical significance of this variant. It has therefore been classified as of uncertain significance.

Ambry Genetics
Classification: Uncertain significance for Inborn genetic diseases. Last evaluated: 2024-11-18. Review status: criteria provided, single submitter. Criteria: Ambry Variant Classification Scheme 2023. Collection method: clinical testing. Allele origin: germline.
Comment: The p.A871T variant (also known as c.2611G>A), located in coding exon 23 of the ANKRD26 gene, results from a G to A substitution at nucleotide position 2611. The alanine at codon 871 is replaced by threonine, an amino acid with similar properties. This amino acid position is conserved. In addition, this alteration is predicted to be tolerated by in silico analysis. Based on the available evidence, the clinical significance of this variant remains unclear.